The following is an entry in ClinVar:

NM_001035.3(RYR2):c.13977G>A (p.Glu4659=)

Gene: RYR2 (ryanodine receptor 2; plus strand). Cytogenetic location: 1q43.
Variant type: single nucleotide variant.
Coding change: c.13977G>A on transcript NM_001035.3 (MANE Select); coding-DNA position 13977, G replaced by A.
Protein change: p.Glu4659=; no amino-acid change (glutamic acid 4659 retained).
Molecular consequence: synonymous variant.
Genome position (GRCh38, 1-based): chr1:237,798,057, G>A. VCF-style: chr1-237798057-G-A. GRCh37 (hg19) VCF-style: chr1-237961357-G-A.
Other names: p.E4659E:GAG>GAA; p.Glu4659=.
Identifiers: ClinVar variation 43733 (VCV000043733.42), dbSNP rs78369334, ClinGen allele CA008106.

ClinVar aggregate classification (germline): Benign/Likely benign. Review status: criteria provided, multiple submitters, no conflicts (2 of 4 stars). 16 submissions from 15 submitters: Benign (12); Likely benign (2). 2 of the submissions do not count toward it. Last evaluated 2026-02-03.

Conditions:
Cardiovascular phenotype. Identifiers: MedGen CN230736.
Cardiomyopathy (CMYO). Also called: Cardiomyopathies. Identifiers: Orphanet 167848, MedGen C0878544, MONDO:0004994, HP:0001638. Inheritance: Various modes of inheritance.
Catecholaminergic polymorphic ventricular tachycardia 1. Also called: VENTRICULAR TACHYCARDIA, STRESS-INDUCED POLYMORPHIC 1; VENTRICULAR TACHYCARDIA, CATECHOLAMINERGIC POLYMORPHIC, 1, WITH OR WITHOUT ATRIAL DYSFUNCTION AND/OR DILATED CARDIOMYOPATHY; RYR2-Related Catecholaminergic Polymorphic Ventricular Tachycardia. Identifiers: Orphanet 3286, MedGen C1631597, MONDO:0011484, OMIM 604772.
Arrhythmogenic right ventricular dysplasia 2. Identifiers: MedGen C1832931.
Catecholaminergic polymorphic ventricular tachycardia (CVPT). Also called: Catecholamine-induced polymorphic ventricular tachycardia. Identifiers: Orphanet 3286, MedGen C5574922, MONDO:0017990.

Allele frequency attached by ClinVar (database versions not stated): gnomAD exomes 0.00097 and 0.00242; ExAC 0.00372; gnomAD 0.00940 and 0.00989; ESP Exome Variant Server 0.00994; TOPMed 0.01068; 1000 Genomes Project 0.01338; 1000 Genomes Project 30x 0.01359.
gnomAD v4.1: 2,927 of 1,610,982 alleles (0.18%); highest among the groups gnomAD compares: African/African-American, 3.3%; 52 homozygotes.

Submissions (16):

Labcorp Genetics (formerly Invitae), Labcorp
Classification: Benign for Catecholaminergic polymorphic ventricular tachycardia 1. Last evaluated: 2026-02-03. Review status: criteria provided, single submitter. Criteria: Invitae Variant Classification Sherloc (09022015). Collection method: clinical testing. Allele origin: germline.

Molecular Diagnostic Laboratory for Inherited Cardiovascular Disease, Montreal Heart Institute
Classification: Benign. Last evaluated: 2025-04-09. Review status: criteria provided, single submitter. Criteria: ACMG Guidelines, 2015. Collection method: clinical testing. Allele origin: germline. Affected: no.

ARUP Laboratories, Molecular Genetics and Genomics, ARUP Laboratories
Classification: Benign. Last evaluated: 2024-12-19. Review status: criteria provided, single submitter. Criteria: ARUP Molecular Germline Variant Investigation Process 2024. Collection method: clinical testing. Allele origin: germline.

All of Us Research Program, National Institutes of Health
Classification: Benign for Catecholaminergic polymorphic ventricular tachycardia. Last evaluated: 2024-02-05. Review status: criteria provided, single submitter. Criteria: ACMG Guidelines, 2015. Collection method: clinical testing. Allele origin: germline. Inheritance: Autosomal dominant inheritance. Observed: 583 variant alleles, 581 heterozygotes, 2 homozygotes.
Comment: This study involves interpretation of variants in research participants for the purpose of population health screening. Participant phenotype was not available at the time of variant classification. Additional details can be found in publication PMID: 35346344, PMCID: PMC8962531

Color Diagnostics, LLC DBA Color Health
Classification: Benign for Cardiomyopathy. Last evaluated: 2018-03-15. Review status: criteria provided, single submitter. Criteria: ACMG Guidelines, 2015. Collection method: clinical testing. Allele origin: germline.

Illumina Laboratory Services, Illumina
Classification: Benign for Catecholaminergic polymorphic ventricular tachycardia 1. Last evaluated: 2018-01-12. Review status: criteria provided, single submitter. Criteria: ICSL Variant Classification Criteria 13 December 2019. Collection method: clinical testing. Allele origin: germline.
Comment: This variant was observed in the ICSL laboratory as part of a predisposition screen in an ostensibly healthy population. It had not been previously curated by ICSL or reported in the Human Gene Mutation Database (HGMD: prior to June 1st, 2018), and was therefore a candidate for classification through an automated scoring system. Utilizing variant allele frequency, disease prevalence and penetrance estimates, and inheritance mode, an automated score was calculated to assess if this variant is too frequent to cause the disease. Based on the score and internal cut-off values, a variant classified as benign is not then subjected to further curation. The score for this variant resulted in a classification of benign for this disease.

Illumina Laboratory Services, Illumina
Classification: Likely benign for Catecholaminergic polymorphic ventricular tachycardia 1. Last evaluated: 2018-01-12. Review status: criteria provided, single submitter. Criteria: ICSL Variant Classification Criteria 13 December 2019. Collection method: clinical testing. Allele origin: germline.
Comment: This variant was observed in the ICSL laboratory as part of a predisposition screen in an ostensibly healthy population. It had not been previously curated by ICSL or reported in the Human Gene Mutation Database (HGMD: prior to June 1st, 2018), and was therefore a candidate for classification through an automated scoring system. Utilizing variant allele frequency, disease prevalence and penetrance estimates, and inheritance mode, an automated score was calculated to assess if this variant is too frequent to cause the disease. Based on the score and internal cut-off values, a variant classified as likely benign is not then subjected to further curation. The score for this variant resulted in a classification of likely benign for this disease.

CHEO Genetics Diagnostic Laboratory, Children's Hospital of Eastern Ontario
Classification: Benign for Cardiomyopathy. Last evaluated: 2016-11-23. Review status: criteria provided, single submitter. Criteria: ACMG Guidelines, 2015. Collection method: clinical testing. Allele origin: germline. Study: Canadian Open Genetics Repository.

Mayo Clinic Laboratories, Mayo Clinic
Classification: Benign. Last evaluated: 2016-08-29. Review status: criteria provided, single submitter. Criteria: ACMG Guidelines, 2015. Collection method: clinical testing. Allele origin: germline. Observed: 16 variant alleles.

Women's Health and Genetics/Laboratory Corporation of America, LabCorp
Classification: Benign. Last evaluated: 2016-08-29. Review status: criteria provided, single submitter. Criteria: LabCorp Variant Classification Summary - May 2015. Collection method: clinical testing. Allele origin: germline.
Comment: Variant summary: The RYR2 c.13977G>A (p.Glu4659Glu) variant involves the alteration of a non-conserved nucleotide, resulting in a synonymous change. One in silico tool predicts a polymorphism outcome for this variant. 5/5 splice prediction tools predict no significant impact on normal splicing. However, these predictions have yet to be confirmed by functional studies. This variant was found in 348/93444 control chromosomes (10 homozygotes), predominantly observed in the African subpopulation at a frequency of 0.0391768 (316/8066). This frequency is about 1567 times the estimated maximal expected allele frequency of a pathogenic RYR2 variant (0.000025), suggesting this is likely a benign polymorphism found primarily in the populations of African origin. In addition, multiple clinical diagnostic laboratories/reputable databases classified this variant as benign. The variant of interest has not, to our knowledge, been reported in affected individuals via publications nor evaluated for functional impact by in vivo/vitro studies. Taken together, this variant is classified as benign.

Ambry Genetics
Classification: Benign for Cardiovascular phenotype. Last evaluated: 2015-08-26. Review status: criteria provided, single submitter. Criteria: Ambry Variant Classification Scheme 2023. Collection method: clinical testing. Allele origin: germline.

GeneDx
Classification: Benign. Last evaluated: 2013-04-18. Review status: criteria provided, single submitter. Criteria: GeneDx Variant Classification (06012015). Collection method: clinical testing. Allele origin: germline. Affected: yes.
Comment: This variant is considered likely benign or benign based on one or more of the following criteria: it is a conservative change, it occurs at a poorly conserved position in the protein, it is predicted to be benign by multiple in silico algorithms, and/or has population frequency not consistent with disease.

Laboratory for Molecular Medicine, Mass General Brigham Personalized Medicine
Classification: Benign. Last evaluated: 2012-05-24. Review status: criteria provided, single submitter. Criteria: LMM Criteria. Collection method: clinical testing. Allele origin: germline. Observed: 19 variant alleles.
Comment: 2.9% (89/3064) of Afr Amer chrom in ESP

Breakthrough Genomics
Classification: Likely benign. Review status: criteria provided, single submitter. Criteria: ACMG Guidelines, 2015. Collection method: not provided. Allele origin: germline. Inheritance: Autosomal dominant inheritance. Affected: yes.

Clinical Genetics, Academic Medical Center
Classification: Benign. Review status: no assertion criteria provided. Collection method: clinical testing. Allele origin: germline. Affected: yes. Study: VKGL Data-share Consensus. Not counted in ClinVar's aggregate classification.

Diagnostic Laboratory, Department of Genetics, University Medical Center Groningen
Classification: Likely benign. Review status: no assertion criteria provided. Collection method: clinical testing. Allele origin: germline. Affected: yes. Study: VKGL Data-share Consensus. Not counted in ClinVar's aggregate classification.